The following is an entry in ClinVar:

NM_016097.5(IER3IP1):c.50A>G (p.Asn17Ser)

Gene: IER3IP1 (immediate early response 3 interacting protein 1; minus strand). Cytogenetic location: 18q21.1.
Variant type: single nucleotide variant.
Coding change: c.50A>G on transcript NM_016097.5 (MANE Select); coding-DNA position 50, A replaced by G.
Protein change: p.Asn17Ser; replaces asparagine 17 with serine.
Molecular consequence: missense variant.
Genome position (GRCh38, 1-based): chr18:47,176,228, T>C on the plus strand (A>G on the coding strand, the complement: IER3IP1 is on the minus strand). VCF-style: chr18-47176228-T-C. GRCh37 (hg19) VCF-style: chr18-44702599-T-C.
Other names: short protein forms N17S.
Identifiers: ClinVar variation 3527576 (VCV003527576.2).

ClinVar aggregate classification (germline): Uncertain significance. Review status: criteria provided, multiple submitters, no conflicts (2 of 4 stars). 2 submissions from 2 submitters: Uncertain significance (2). Last evaluated 2025-08-04.

Conditions:
Inborn genetic diseases. Identifiers: MedGen C0950123, MeSH D030342.
Microcephaly, epilepsy, and diabetes syndrome 1 (MEDS1). Identifiers: MedGen CN305347, MONDO:0031481, OMIM 614231.

gnomAD v4.1: 14 of 1,608,786 alleles (0.00087%); highest among the groups gnomAD compares: East Asian, 0.0022%; no homozygotes.

Submissions (2):

3billion
Classification: Uncertain significance for Microcephaly, epilepsy, and diabetes syndrome 1. Last evaluated: 2025-08-04. Review status: criteria provided, single submitter. Criteria: ACMG Guidelines, 2015. Collection method: clinical testing. Allele origin: germline. Affected: yes.
Comment: The variant is observed at an extremely low frequency in the gnomAD v4.1.0 dataset (total allele frequency: <0.001%). Predicted Consequence/Location: Missense variant In silico tool predictions suggest damaging effect of the variant on gene or gene product [REVEL: 0.64 (>=0.6, sensitivity 0.68 and specificity 0.92); 3Cnet: 0.80 (> 0.75, sensitivity 0.96 and precision 0.92)]. The variant has been reported as of uncertain significance (ClinVar ID: VCV003527576). Therefore, this variant is classified as VUS according to the recommendation of ACMG/AMP guideline.

Ambry Genetics
Classification: Uncertain significance for Inborn genetic diseases. Last evaluated: 2024-11-13. Review status: criteria provided, single submitter. Criteria: Ambry Variant Classification Scheme 2023. Collection method: clinical testing. Allele origin: germline.